The following is an entry in ClinVar:

NM_017866.6(TMEM70):c.*771G>A

Gene: TMEM70 (transmembrane protein 70; plus strand). Cytogenetic location: 8q21.11.
Variant type: single nucleotide variant.
Coding change: c.*771G>A on transcript NM_017866.6 (MANE Select); 771 bases downstream of the stop codon, G replaced by A.
Molecular consequence: 3 prime UTR variant. On other transcripts: non-coding transcript variant (1).
Genome position (GRCh38, 1-based): chr8:73,982,392, G>A. VCF-style: chr8-73982392-G-A. GRCh37 (hg19) VCF-style: chr8-74894627-G-A.
Other names: c.*1244G>A (NM_001040613.3).
Identifiers: ClinVar variation 363710 (VCV000363710.6), dbSNP rs6472811, ClinGen allele CA4784247.

ClinVar aggregate classification (germline): Benign. Review status: criteria provided, multiple submitters, no conflicts (2 of 4 stars). 2 submissions from 2 submitters: Benign (2). Last evaluated 2018-01-12.

Conditions:
Mitochondrial complex V (ATP synthase) deficiency, nuclear type 2. Also called: Nuclear-Encoded ATPase Deficiency, TMEM70-Related; ENCEPHALOCARDIOMYOPATHY, MITOCHONDRIAL, NEONATAL, DUE TO ATP SYNTHASE DEFICIENCY; MITOCHONDRIAL COMPLEX V (ATP SYNTHASE) DEFICIENCY, TMEM70 TYPE. Identifiers: Orphanet 1194, MedGen C3279699, MONDO:0013546, OMIM 614052.

Allele frequency attached by ClinVar (database versions not stated): TOPMed 0.25081; 1000 Genomes Project 0.25899; 1000 Genomes Project 30x 0.26499; ExAC 0.20266; gnomAD exomes 0.20484 and 0.21024; gnomAD 0.23238 and 0.23535.

Submissions (2):

Illumina Laboratory Services, Illumina
Classification: Benign for Mitochondrial complex V (ATP synthase) deficiency, nuclear type 2. Last evaluated: 2018-01-12. Review status: criteria provided, single submitter. Criteria: ICSL Variant Classification Criteria 13 December 2019. Collection method: clinical testing. Allele origin: germline.
Comment: This variant was observed in the ICSL laboratory as part of a predisposition screen in an ostensibly healthy population. It had not been previously curated by ICSL or reported in the Human Gene Mutation Database (HGMD: prior to June 1st, 2018), and was therefore a candidate for classification through an automated scoring system. Utilizing variant allele frequency, disease prevalence and penetrance estimates, and inheritance mode, an automated score was calculated to assess if this variant is too frequent to cause the disease. Based on the score and internal cut-off values, a variant classified as benign is not then subjected to further curation. The score for this variant resulted in a classification of benign for this disease.

Breakthrough Genomics
Classification: Benign. Review status: criteria provided, single submitter. Criteria: ACMG Guidelines, 2015. Collection method: not provided. Allele origin: germline. Inheritance: Autosomal recessive inheritance. Affected: yes.